The following is an entry in ClinVar:

NM_002427.4(MMP13):c.1292T>A (p.Val431Glu)

Gene: MMP13 (matrix metallopeptidase 13; minus strand). Cytogenetic location: 11q22.2.
Variant type: single nucleotide variant.
Coding change: c.1292T>A on transcript NM_002427.4 (MANE Select); coding-DNA position 1292, T replaced by A.
Protein change: p.Val431Glu; replaces valine 431 with glutamic acid.
Molecular consequence: missense variant.
Genome position (GRCh38, 1-based): chr11:102,945,669, A>T on the plus strand (T>A on the coding strand, the complement: MMP13 is on the minus strand). VCF-style: chr11-102945669-A-T. GRCh37 (hg19) VCF-style: chr11-102816398-A-T.
Other names: short protein forms V431E.
Identifiers: ClinVar variation 3712371 (VCV003712371.2).
Genomic context (GRCh38, chr11:102,945,669, plus strand): 5'-AGCTCCTCTTTAAAGTCAGTGCAATGTAACTACTTACCATTTTTCTCATAGACAGCATCT[A>T]CTTTATCACCAATTCCTGGGAAGTCTTCTTCTATTAGTCTCGGATAGTCTTTATCCATAA-3'
Protein context (NP_002418.1, residues 421-441): EEDFPGIGDK[Val431Glu]DAVYEKNGYI

ClinVar aggregate classification (germline): Uncertain significance (1 of 4 stars; one submission).

Submission:

Labcorp Genetics (formerly Invitae), Labcorp
Classification: Uncertain significance. Last evaluated: 2025-01-23. Review status: criteria provided, single submitter. Criteria: Invitae Variant Classification Sherloc (09022015). Collection method: clinical testing. Allele origin: germline.
Comment: This sequence change replaces valine, which is neutral and non-polar, with glutamic acid, which is acidic and polar, at codon 431 of the MMP13 protein (p.Val431Glu). This variant is not present in population databases (gnomAD no frequency). This variant has not been reported in the literature in individuals affected with MMP13-related conditions. Invitae Evidence Modeling of protein sequence and biophysical properties (such as structural, functional, and spatial information, amino acid conservation, physicochemical variation, residue mobility, and thermodynamic stability) indicates that this missense variant is expected to disrupt MMP13 protein function with a positive predictive value of 80%. In summary, the available evidence is currently insufficient to determine the role of this variant in disease. Therefore, it has been classified as a Variant of Uncertain Significance.